The following is an entry in ClinVar:

ClinVar aggregate classification (germline): Uncertain significance. Review status: criteria provided, multiple submitters, no conflicts (2 of 4 stars). 6 submissions from 6 submitters: Uncertain significance (6). Last evaluated 2023-12-10.

Conditions:
Cardiovascular phenotype. Identifiers: MedGen CN230736.
Hypercholesterolemia, autosomal dominant, type B (FHCL2). Also called: APOB-Related Familial Hypercholesterolemia, Autosomal Dominant; Familial Hypercholesterolemia Type B; APOLIPOPROTEIN B-100, FAMILIAL DEFECTIVE; APOLIPOPROTEIN B-100, FAMILIAL LIGAND-DEFECTIVE; Hyperlipoproteinemia Type IIb; Familial hypercholesterolemia 2. Identifiers: MedGen C1704417, MONDO:0007751, OMIM 144010.
Familial hypobetalipoproteinemia 1. Also called: APOB-Related Familial Hypobetalipoproteinemia; Hypobetalipoproteinemia, normotriglyceridemic; Acanthocytosis with hypobetalipoproteinemia. Identifiers: MedGen C4551990, MONDO:0014252, OMIM 615558.
Familial hypercholesterolemia. Also called: Familial hypercholesterolemias; Familial hypercholesterolaemia. Identifiers: MedGen C0020445, MONDO:0005439.
Hypercholesterolemia, familial, 1. Also called: LDL RECEPTOR DISORDER; Hyperlipoproteinemia Type IIa; HYPER-LOW-DENSITY-LIPOPROTEINEMIA; HYPERCHOLESTEROLEMIC XANTHOMATOSIS, FAMILIAL; Fredrickson type IIa hyperlipoproteinemia; Hyperlipoproteinemia type 2. Identifiers: Orphanet 391665, MedGen C0745103, MONDO:0007750, OMIM 143890.

Allele frequency attached by ClinVar (database versions not stated): ExAC 0.00001; gnomAD 0.00001; TOPMed 0.00001; gnomAD exomes 0.00002.
gnomAD v4.1: 24 of 1,614,008 alleles (0.0015%); highest among the groups gnomAD compares: Non-Finnish European, 0.0019%; no homozygotes.

Submissions (6):

Ambry Genetics
Classification: Uncertain significance for Cardiovascular phenotype. Last evaluated: 2023-12-10. Review status: criteria provided, single submitter. Criteria: Ambry Variant Classification Scheme 2023. Collection method: clinical testing. Allele origin: germline.
Comment: The p.Y52H variant (also known as c.154T>C), located in coding exon 3 of the APOB gene, results from a T to C substitution at nucleotide position 154. The tyrosine at codon 52 is replaced by histidine, an amino acid with similar properties. This amino acid position is conserved. In addition, the in silico prediction for this alteration is inconclusive. Since supporting evidence is limited at this time, the clinical significance of this alteration remains unclear.

Labcorp Genetics (formerly Invitae), Labcorp
Classification: Uncertain significance for Familial hypobetalipoproteinemia 1; Hypercholesterolemia, autosomal dominant, type B. Last evaluated: 2022-04-28. Review status: criteria provided, single submitter. Criteria: Invitae Variant Classification Sherloc (09022015). Collection method: clinical testing. Allele origin: germline.
Comment: This sequence change replaces tyrosine, which is neutral and polar, with histidine, which is basic and polar, at codon 52 of the APOB protein (p.Tyr52His). This variant is present in population databases (rs757747864, gnomAD 0.0009%). This variant has not been reported in the literature in individuals affected with APOB-related conditions. ClinVar contains an entry for this variant (Variation ID: 431490). Algorithms developed to predict the effect of missense changes on protein structure and function are either unavailable or do not agree on the potential impact of this missense change (SIFT: "Deleterious"; PolyPhen-2: "Probably Damaging"; Align-GVGD: "Class C0"). In summary, the available evidence is currently insufficient to determine the role of this variant in disease. Therefore, it has been classified as a Variant of Uncertain Significance.

AiLife Diagnostics
Classification: Uncertain significance. Last evaluated: 2022-02-10. Review status: criteria provided, single submitter. Criteria: ACMG Guidelines, 2015. Collection method: clinical testing. Allele origin: germline. Affected: yes. Observed: 1 variant allele.

Fulgent Genetics
Classification: Uncertain significance for Hypercholesterolemia, autosomal dominant, type B; Familial hypobetalipoproteinemia 1. Last evaluated: 2021-08-10. Review status: criteria provided, single submitter. Criteria: ACMG Guidelines, 2015. Collection method: clinical testing. Allele origin: unknown.

Color Diagnostics, LLC DBA Color Health
Classification: Uncertain significance for Familial hypercholesterolemia. Last evaluated: 2019-06-27. Review status: criteria provided, single submitter. Criteria: ACMG Guidelines, 2015. Collection method: clinical testing. Allele origin: germline.

Laboratory of Genetics and Molecular Cardiology, University of São Paulo
Classification: Uncertain significance for Familial hypercholesterolemia. Last evaluated: 2016-03-01. Review status: criteria provided, single submitter. Criteria: ACMG Guidelines, 2015. Collection method: research. Allele origin: germline. Study: HipercolBrasil.

NM_000384.3(APOB):c.154T>C (p.Tyr52His)

Genes: APOB (apolipoprotein B; minus strand), LOC106560211 (APOB 5' regulatory region; plus strand). Cytogenetic location: 2p24.1.
Variant type: single nucleotide variant.
Coding change: c.154T>C on transcript NM_000384.3 (MANE Select); coding-DNA position 154, T replaced by C.
Protein change: p.Tyr52His; replaces tyrosine 52 with histidine.
Molecular consequence: missense variant.
Genome position (GRCh38, 1-based): chr2:21,042,444, A>G on the plus strand (T>C on the coding strand, the complement: APOB is on the minus strand). VCF-style: chr2-21042444-A-G. GRCh37 (hg19) VCF-style: chr2-21265316-A-G.
Other names: short protein forms Y52H.
Identifiers: ClinVar variation 431490 (VCV000431490.9), dbSNP rs757747864, ClinGen allele CA053900.